The following is an entry in ClinVar:

ClinVar aggregate classification (germline): Uncertain significance (1 of 4 stars; one submission).

Conditions:
Familial thoracic aortic aneurysm and aortic dissection (TAAD). Also called: Thoracic aortic aneurysms and dissections. Identifiers: Orphanet 91387, MedGen C4707243, MONDO:0019625.

Submission:

Ambry Genetics
Classification: Uncertain significance for Familial thoracic aortic aneurysm and aortic dissection. Last evaluated: 2026-04-02. Review status: criteria provided, single submitter. Criteria: Ambry Variant Classification Scheme 2023. Collection method: clinical testing. Allele origin: germline.
Comment: The p.A1511P variant (also known as c.4531G>C), located in coding exon 31 of the MYH11 gene, results from a G to C substitution at nucleotide position 4531. The alanine at codon 1511 is replaced by proline, an amino acid with highly similar properties. This amino acid position is conserved. In addition, the in silico prediction for this alteration is inconclusive. Based on the available evidence, the clinical significance of this variant remains unclear.

NM_002474.3(MYH11):c.4531G>C (p.Ala1511Pro)

Genes: MYH11 (myosin heavy chain 11; minus strand), NDE1 (nudE neurodevelopment protein 1; plus strand). Cytogenetic location: 16p13.11.
Variant type: single nucleotide variant.
Coding change: c.4531G>C on transcript NM_002474.3 (MANE Select); coding-DNA position 4531, G replaced by C.
Protein change: p.Ala1511Pro; replaces alanine 1511 with proline.
Molecular consequence: missense variant. On other transcripts: intron variant (2).
Genome position (GRCh38, 1-based): chr16:15,721,469, C>G on the plus strand (G>C on the coding strand, the complement: MYH11 is on the minus strand). VCF-style: chr16-15721469-C-G. GRCh37 (hg19) VCF-style: chr16-15815326-C-G.
Other names: c.4552G>C, p.Ala1518Pro (NM_001040113.2, NM_001040114.2); c.4531G>C, p.Ala1511Pro (NM_022844.3); c.948-2722C>G (NM_001143979.2, NM_017668.3); short protein forms A1511P, A1518P.
Identifiers: ClinVar variation 4860533 (VCV004860533.1).